The following is an entry in ClinVar:

ClinVar aggregate classification (germline): Uncertain significance. Review status: criteria provided, multiple submitters, no conflicts (2 of 4 stars). 4 submissions from 4 submitters: Uncertain significance (4). Last evaluated 2026-09-04.

Conditions:
Vitelliform macular dystrophy 4. Identifiers: Orphanet 99000, MedGen C4015342, MONDO:0014508, OMIM 616151.
IMPG1-related disorder. Also called: IMPG1-related condition.

Allele frequency attached by ClinVar (database versions not stated): gnomAD 0.00001; TOPMed 0.00001; gnomAD exomes 0.00002; ExAC 0.00002.
gnomAD v4.1: 28 of 1,613,590 alleles (0.0017%); highest among the groups gnomAD compares: Admixed American, 0.0033%; no homozygotes.

Submissions (4):

PreventionGenetics, part of Exact Sciences
Classification: Uncertain significance for IMPG1-related condition. Last evaluated: 2026-09-04. Review status: criteria provided, single submitter. Criteria: ACMG Guidelines, 2015. Collection method: clinical testing. Allele origin: germline.
Comment: The IMPG1 c.1891G>A variant is predicted to result in the amino acid substitution p.Gly631Arg. To our knowledge, this variant has not been reported in the literature. This variant is reported in 0.0035% of alleles in individuals of European (Non-Finnish) descent in gnomAD. At this time, the clinical significance of this variant is uncertain due to the absence of conclusive functional and genetic evidence.

MVZ Martinsried, Medicover Genetics
Classification: Uncertain significance for Vitelliform macular dystrophy 4. Last evaluated: 2026-08-11. Review status: criteria provided, single submitter. Criteria: ClinGen Variant Curation SOP V3.2 + Classification Guidance July2025. Collection method: clinical testing. Allele origin: unknown. Affected: yes. Observed: 1 heterozygote.

Labcorp Genetics (formerly Invitae), Labcorp
Classification: Uncertain significance. Last evaluated: 2025-09-16. Review status: criteria provided, single submitter. Criteria: Invitae Variant Classification Sherloc (09022015). Collection method: clinical testing. Allele origin: germline.
Comment: This sequence change replaces glycine, which is neutral and non-polar, with arginine, which is basic and polar, at codon 631 of the IMPG1 protein (p.Gly631Arg). This variant is present in population databases (rs767150099, gnomAD 0.004%). This variant has not been reported in the literature in individuals affected with IMPG1-related conditions. ClinVar contains an entry for this variant (Variation ID: 955399). An algorithm developed to predict the effect of missense changes on protein structure and function (PolyPhen-2) suggests that this variant is likely to be disruptive. In summary, the available evidence is currently insufficient to determine the role of this variant in disease. Therefore, it has been classified as a Variant of Uncertain Significance.

Blueprint Genetics
Classification: Uncertain significance. Last evaluated: 2024-02-19. Review status: criteria provided, single submitter. Criteria: ACMG Guidelines, 2015. Collection method: clinical testing. Allele origin: germline.

NM_001563.4(IMPG1):c.1891G>A (p.Gly631Arg)

Gene: IMPG1 (interphotoreceptor matrix proteoglycan 1; minus strand). Cytogenetic location: 6q14.1.
Variant type: single nucleotide variant.
Coding change: c.1891G>A on transcript NM_001563.4 (MANE Select); coding-DNA position 1891, G replaced by A.
Protein change: p.Gly631Arg; replaces glycine 631 with arginine.
Molecular consequence: missense variant.
Genome position (GRCh38, 1-based): chr6:75,947,467, C>T on the plus strand (G>A on the coding strand, the complement: IMPG1 is on the minus strand). VCF-style: chr6-75947467-C-T. GRCh37 (hg19) VCF-style: chr6-76657184-C-T.
Other names: c.1657G>A, p.Gly553Arg (NM_001282368.2); short protein forms G553R, G631R.
Identifiers: ClinVar variation 955399 (VCV000955399.10), dbSNP rs767150099, ClinGen allele CA3898012.
Genomic context (GRCh38, chr6:75,947,467, plus strand): 5'-TGGTGAGGTTATACGGCACTGACTTAGCAAACTTCATTTTGCTATTCACAATCACACTCC[C>T]GTTTCTGAAGTTAAGTATTTCAAGTTGCTTAAATCCTGTAAGATTGGATCGTAGATATGG-3'
Protein context (NP_001554.2, residues 621-641): KQLEILNFRN[Gly631Arg]SVIVNSKMKF